The following is an entry in ClinVar:

ClinVar aggregate classification (germline): Pathogenic (1 of 4 stars; one submission).

Submission:

Labcorp Genetics (formerly Invitae), Labcorp
Classification: Pathogenic. Last evaluated: 2023-05-27. Review status: criteria provided, single submitter. Criteria: Invitae Variant Classification Sherloc (09022015). Collection method: clinical testing. Allele origin: germline.
Comment: For these reasons, this variant has been classified as Pathogenic. Algorithms developed to predict the effect of sequence changes on RNA splicing suggest that this variant may disrupt the consensus splice site. This variant has not been reported in the literature in individuals affected with HSD17B3-related conditions. This variant is not present in population databases (gnomAD no frequency). This sequence change creates a premature translational stop signal (p.Ile222Glnfs*15) in the HSD17B3 gene. It is expected to result in an absent or disrupted protein product. Loss-of-function variants in HSD17B3 are known to be pathogenic (PMID: 23796702, 25740850).

Literature cited by the submitters: PubMed 23796702; PubMed 25740850.

NM_000197.2(HSD17B3):c.663_664insCAGGTGAGGTGGGCAGCTGTGGAGTCCTTGTCATCGTCCAGGTGAGGTGGGCAGCTGTGGAGTCCTTGTC (p.Ile222delinsGlnValArgTrpAlaAlaValGluSerLeuSerSerSerArgTer)

Genes: HSD17B3 (hydroxysteroid 17-beta dehydrogenase 3; minus strand), SLC35D2-HSD17B3 (SLC35D2-HSD17B3 readthrough; minus strand). Cytogenetic location: 9q22.32.
Variant type: Insertion.
Coding change: c.663_664insCAGGTGAGGTGGGCAGCTGTGGAGTCCTTGTCATCGTCCAGGTGAGGTGGGCAGCTGTGGAGTCCTTGTC on transcript NM_000197.2 (MANE Select); coding-DNA positions 663 to 664, CAGGTGAGGTGGGCAGCTGTGGAGTCCTTGTCATCGTCCAGGTGAGGTGGGCAGCTGTGGAGTCCTTGTC inserted.
Protein change: p.Ile222delinsGlnValArgTrpAlaAlaValGluSerLeuSerSerSerArgTer.
Molecular consequence: nonsense. On other transcripts: non-coding transcript variant (1).
Genome position: GRCh38: chr9:96,244,340-96,244,341. GRCh37 (hg19): chr9:99,006,622-99,006,623.
Identifiers: ClinVar variation 2735655 (VCV002735655.3), dbSNP rs2490063420, ClinGen allele CA2697557874.